The following is an entry in ClinVar:

ClinVar aggregate classification (germline): Likely benign (1 of 4 stars; one submission).

Conditions:
CPSF1-related disorder. Also called: CPSF1-related condition.

gnomAD v4.1: 522 of 1,613,836 alleles (0.032%); highest among the groups gnomAD compares: African/African-American, 0.62%; 2 homozygotes.

Submission:

PreventionGenetics, part of Exact Sciences
Classification: Likely benign for CPSF1-related condition. Last evaluated: 2026-06-21. Review status: criteria provided, single submitter. Criteria: ACMG Guidelines, 2015. Collection method: clinical testing. Allele origin: germline.
Comment: This variant is classified as likely benign based on ACMG/AMP sequence variant interpretation guidelines (Richards et al. 2015 PMID: 25741868, with internal and published modifications).

NM_013291.3(CPSF1):c.2770G>A (p.Ala924Thr)

Gene: CPSF1 (cleavage and polyadenylation specific factor 1; minus strand). Cytogenetic location: 8q24.3.
Variant type: single nucleotide variant.
Coding change: c.2770G>A on transcript NM_013291.3 (MANE Select); coding-DNA position 2770, G replaced by A.
Protein change: p.Ala924Thr; replaces alanine 924 with threonine.
Molecular consequence: missense variant.
Genome position (GRCh38, 1-based): chr8:144,396,654, C>T on the plus strand (G>A on the coding strand, the complement: CPSF1 is on the minus strand). VCF-style: chr8-144396654-C-T. GRCh37 (hg19) VCF-style: chr8-145621869-C-T.
Other names: short protein forms A924T.
Identifiers: ClinVar variation 4979045 (VCV004979045.1).
Genomic context (GRCh38, chr8:144,396,654, plus strand): 5'-CTACCCCTGAGTAGCCATAAATATCCTCGAAGTAGCGGAAACGCGCCACGCGGCCCCGGG[C>T]CCCAGCCCCCTCCTCTGCGCCGCCACCTTCTGCTTTCTTCTTGGATGGCTTTGGCTTCTT-3'
Protein context (NP_037423.2, residues 914-934): EGGGAEEGAG[Ala924Thr]RGRVARFRYF